The following is an entry in ClinVar:

ClinVar aggregate classification (germline): Uncertain significance (1 of 4 stars; one submission).

Conditions:
Glycogen storage disease type III (GSD3). Also called: Cori disease; FORBES DISEASE. Identifiers: Orphanet 366, MedGen C0017922, MONDO:0009291, OMIM 232400.

Allele frequency attached by ClinVar (database versions not stated): ExAC 0.00001; gnomAD 0.00001; TOPMed 0.00001.
gnomAD v4.1: 21 of 1,613,964 alleles (0.0013%); highest among the groups gnomAD compares: Non-Finnish European, 0.0016%; no homozygotes.

Submission:

Labcorp Genetics (formerly Invitae), Labcorp
Classification: Uncertain significance for Glycogen storage disease type III. Last evaluated: 2024-03-18. Review status: criteria provided, single submitter. Criteria: Invitae Variant Classification Sherloc (09022015). Collection method: clinical testing. Allele origin: germline.
Comment: This sequence change replaces tryptophan, which is neutral and slightly polar, with arginine, which is basic and polar, at codon 255 of the AGL protein (p.Trp255Arg). This variant is present in population databases (rs762988561, gnomAD 0.003%). This variant has not been reported in the literature in individuals affected with AGL-related conditions. ClinVar contains an entry for this variant (Variation ID: 2051746). Advanced modeling of protein sequence and biophysical properties (such as structural, functional, and spatial information, amino acid conservation, physicochemical variation, residue mobility, and thermodynamic stability) has been performed at Invitae for this missense variant, however the output from this modeling did not meet the statistical confidence thresholds required to predict the impact of this variant on AGL protein function. In summary, the available evidence is currently insufficient to determine the role of this variant in disease. Therefore, it has been classified as a Variant of Uncertain Significance.

NM_000642.3(AGL):c.763T>C (p.Trp255Arg)

Gene: AGL (amylo-alpha-1,6-glucosidase and 4-alpha-glucanotransferase; plus strand). Cytogenetic location: 1p21.2.
Variant type: single nucleotide variant.
Coding change: c.763T>C on transcript NM_000642.3 (MANE Select); coding-DNA position 763, T replaced by C.
Protein change: p.Trp255Arg; replaces tryptophan 255 with arginine.
Molecular consequence: missense variant.
Genome position (GRCh38, 1-based): chr1:99,870,498, T>C. VCF-style: chr1-99870498-T-C. GRCh37 (hg19) VCF-style: chr1-100336054-T-C.
Other names: c.559T>C, p.Trp187Arg (NM_001425328.1, NM_001425329.1); c.385T>C, p.Trp129Arg (NM_001425332.1); c.763T>C, p.Trp255Arg (NM_000643.3, NM_000644.3, NM_001425325.1 and 3 more transcripts); c.715T>C, p.Trp239Arg (NM_000646.3); short protein forms W239R, W255R, W129R, W187R.
Identifiers: ClinVar variation 2051746 (VCV002051746.3), dbSNP rs762988561, ClinGen allele CA966263.